The following continues an entry in ClinVar:

NM_000942.5(PPIB):c.63C>A (p.Ser21=)

Gene: PPIB. ClinVar aggregate classification (germline): Benign. Benign (6).

Submissions 30 to 59 of 59:

Dr. Peter K. Rogan Lab, Western University
No classification provided (evidence only). Condition: Thyroid cancer, nonmedullary, 1. Review status: no classification provided. Collection method: in vitro. Allele origin: not applicable. Functional consequence: cryptic splice site. Not counted in ClinVar's aggregate classification.

Dr. Peter K. Rogan Lab, Western University
No classification provided (evidence only). Condition: Uterine corpus endometrial carcinoma. Review status: no classification provided. Collection method: in vitro. Allele origin: not applicable. Functional consequence: cryptic splice site. Not counted in ClinVar's aggregate classification.

Dr. Peter K. Rogan Lab, Western University
No classification provided (evidence only). Condition: Uterine corpus endometrial carcinoma. Review status: no classification provided. Collection method: in vitro. Allele origin: not applicable. Functional consequence: cryptic splice site. Not counted in ClinVar's aggregate classification.

Dr. Peter K. Rogan Lab, Western University
No classification provided (evidence only). Condition: Uterine corpus endometrial carcinoma. Review status: no classification provided. Collection method: in vitro. Allele origin: not applicable. Functional consequence: cryptic splice site. Not counted in ClinVar's aggregate classification.

Dr. Peter K. Rogan Lab, Western University
No classification provided (evidence only). Condition: Uterine corpus endometrial carcinoma. Review status: no classification provided. Collection method: in vitro. Allele origin: not applicable. Functional consequence: retained intron. Not counted in ClinVar's aggregate classification.

Dr. Peter K. Rogan Lab, Western University
No classification provided (evidence only). Condition: Sarcoma. Review status: no classification provided. Collection method: in vitro. Allele origin: not applicable. Functional consequence: cryptic splice site. Not counted in ClinVar's aggregate classification.

Dr. Peter K. Rogan Lab, Western University
No classification provided (evidence only). Condition: Sarcoma. Review status: no classification provided. Collection method: in vitro. Allele origin: not applicable. Functional consequence: cryptic splice site. Not counted in ClinVar's aggregate classification.

Dr. Peter K. Rogan Lab, Western University
No classification provided (evidence only). Condition: Sarcoma. Review status: no classification provided. Collection method: in vitro. Allele origin: not applicable. Functional consequence: cryptic splice site. Not counted in ClinVar's aggregate classification.

Dr. Peter K. Rogan Lab, Western University
No classification provided (evidence only). Condition: Sarcoma. Review status: no classification provided. Collection method: in vitro. Allele origin: not applicable. Functional consequence: cryptic splice site. Not counted in ClinVar's aggregate classification.

Dr. Peter K. Rogan Lab, Western University
No classification provided (evidence only). Condition: Sarcoma. Review status: no classification provided. Collection method: in vitro. Allele origin: not applicable. Functional consequence: cryptic splice site. Not counted in ClinVar's aggregate classification.

Dr. Peter K. Rogan Lab, Western University
No classification provided (evidence only). Condition: Sarcoma. Review status: no classification provided. Collection method: in vitro. Allele origin: not applicable. Functional consequence: retained intron. Not counted in ClinVar's aggregate classification.

Dr. Peter K. Rogan Lab, Western University
No classification provided (evidence only). Condition: Sarcoma. Review status: no classification provided. Collection method: in vitro. Allele origin: not applicable. Functional consequence: cryptic splice site. Not counted in ClinVar's aggregate classification.

Dr. Peter K. Rogan Lab, Western University
No classification provided (evidence only). Condition: Sarcoma. Review status: no classification provided. Collection method: in vitro. Allele origin: not applicable. Functional consequence: cryptic splice site. Not counted in ClinVar's aggregate classification.

Dr. Peter K. Rogan Lab, Western University
No classification provided (evidence only). Condition: Sarcoma. Review status: no classification provided. Collection method: in vitro. Allele origin: not applicable. Functional consequence: cryptic splice site. Not counted in ClinVar's aggregate classification.

Dr. Peter K. Rogan Lab, Western University
No classification provided (evidence only). Condition: Nonpapillary renal cell carcinoma. Review status: no classification provided. Collection method: in vitro. Allele origin: not applicable. Functional consequence: cryptic splice site. Not counted in ClinVar's aggregate classification.

Dr. Peter K. Rogan Lab, Western University
No classification provided (evidence only). Condition: Nonpapillary renal cell carcinoma. Review status: no classification provided. Collection method: in vitro. Allele origin: not applicable. Functional consequence: cryptic splice site. Not counted in ClinVar's aggregate classification.

Dr. Peter K. Rogan Lab, Western University
No classification provided (evidence only). Condition: Nonpapillary renal cell carcinoma. Review status: no classification provided. Collection method: in vitro. Allele origin: not applicable. Functional consequence: cryptic splice site. Not counted in ClinVar's aggregate classification.

Dr. Peter K. Rogan Lab, Western University
No classification provided (evidence only). Condition: Thymoma. Review status: no classification provided. Collection method: in vitro. Allele origin: not applicable. Functional consequence: cryptic splice site. Not counted in ClinVar's aggregate classification.

Dr. Peter K. Rogan Lab, Western University
No classification provided (evidence only). Condition: Thymoma. Review status: no classification provided. Collection method: in vitro. Allele origin: not applicable. Functional consequence: cryptic splice site. Not counted in ClinVar's aggregate classification.

Dr. Peter K. Rogan Lab, Western University
No classification provided (evidence only). Condition: Thymoma. Review status: no classification provided. Collection method: in vitro. Allele origin: not applicable. Functional consequence: cryptic splice site. Not counted in ClinVar's aggregate classification.

Dr. Peter K. Rogan Lab, Western University
No classification provided (evidence only). Condition: Cholangiocarcinoma. Review status: no classification provided. Collection method: in vitro. Allele origin: not applicable. Functional consequence: retained intron. Not counted in ClinVar's aggregate classification.

Dr. Peter K. Rogan Lab, Western University
No classification provided (evidence only). Condition: Adrenocortical carcinoma, hereditary. Review status: no classification provided. Collection method: in vitro. Allele origin: not applicable. Functional consequence: retained intron. Not counted in ClinVar's aggregate classification.

Dr. Peter K. Rogan Lab, Western University
No classification provided (evidence only). Condition: Uveal melanoma. Review status: no classification provided. Collection method: in vitro. Allele origin: not applicable. Functional consequence: cryptic splice site. Not counted in ClinVar's aggregate classification.

Dr. Peter K. Rogan Lab, Western University
No classification provided (evidence only). Condition: Uveal melanoma. Review status: no classification provided. Collection method: in vitro. Allele origin: not applicable. Functional consequence: cryptic splice site. Not counted in ClinVar's aggregate classification.

Dr. Peter K. Rogan Lab, Western University
No classification provided (evidence only). Condition: Malignant tumor of esophagus. Review status: no classification provided. Collection method: in vitro. Allele origin: not applicable. Functional consequence: retained intron. Not counted in ClinVar's aggregate classification.

Dr. Peter K. Rogan Lab, Western University
No classification provided (evidence only). Condition: Malignant tumor of esophagus. Review status: no classification provided. Collection method: in vitro. Allele origin: not applicable. Functional consequence: retained intron. Not counted in ClinVar's aggregate classification.

Dr. Peter K. Rogan Lab, Western University
No classification provided (evidence only). Condition: Malignant tumor of esophagus. Review status: no classification provided. Collection method: in vitro. Allele origin: not applicable. Functional consequence: retained intron. Not counted in ClinVar's aggregate classification.

Dr. Peter K. Rogan Lab, Western University
No classification provided (evidence only). Condition: Malignant tumor of esophagus. Review status: no classification provided. Collection method: in vitro. Allele origin: not applicable. Functional consequence: cryptic splice site, retained intron. Not counted in ClinVar's aggregate classification.

Dr. Peter K. Rogan Lab, Western University
No classification provided (evidence only). Condition: Malignant tumor of esophagus. Review status: no classification provided. Collection method: in vitro. Allele origin: not applicable. Functional consequence: cryptic splice site, retained intron. Not counted in ClinVar's aggregate classification.

Dr. Peter K. Rogan Lab, Western University
No classification provided (evidence only). Condition: Lymphoma. Review status: no classification provided. Collection method: in vitro. Allele origin: not applicable. Functional consequence: cryptic splice site, retained intron. Not counted in ClinVar's aggregate classification.